The following is an entry in ClinVar:

ClinVar aggregate classification (germline): Uncertain significance (0 of 4 stars; one submission).

Conditions:
ITGB4-related disorder. Also called: ITGB4-related condition.

Allele frequency attached by ClinVar (database versions not stated): gnomAD exomes below 0.00001; gnomAD 0.00001; ExAC 0.00002; 1000 Genomes Project 30x 0.00016; 1000 Genomes Project 0.00020.
gnomAD v4.1: 7 of 1,614,036 alleles (0.00043%); highest among the groups gnomAD compares: Admixed American, 0.0017%; no homozygotes.

Submission:

PreventionGenetics, part of Exact Sciences
Classification: Uncertain significance for ITGB4-related condition. Last evaluated: 2024-02-20. Review status: no assertion criteria provided. Collection method: clinical testing. Allele origin: germline.
Comment: The ITGB4 c.1295G>A variant is predicted to result in the amino acid substitution p.Gly432Asp. To our knowledge, this variant has not been reported in the literature. This variant is reported in 0.0018% of alleles in individuals of European (Non-Finnish) descent in gnomAD. At this time, the clinical significance of this variant is uncertain due to the absence of conclusive functional and genetic evidence.

NM_000213.5(ITGB4):c.1295G>A (p.Gly432Asp)

Gene: ITGB4 (integrin subunit beta 4; plus strand). Cytogenetic location: 17q25.1.
Variant type: single nucleotide variant.
Coding change: c.1295G>A on transcript NM_000213.5 (MANE Select); coding-DNA position 1295, G replaced by A.
Protein change: p.Gly432Asp; replaces glycine 432 with aspartic acid.
Molecular consequence: missense variant.
Genome position (GRCh38, 1-based): chr17:75,731,891, G>A. VCF-style: chr17-75731891-G-A. GRCh37 (hg19) VCF-style: chr17-73727972-G-A.
Other names: c.1295G>A, p.Gly432Asp (NM_001005619.2, NM_001005731.3, NM_001321123.2); short protein forms G432D.
Identifiers: ClinVar variation 3030622 (VCV003030622.2), dbSNP rs140201409, ClinGen allele CA8768960.